The following is an entry in ClinVar:

ClinVar aggregate classification (germline): Uncertain significance (1 of 4 stars; one submission).

Conditions:
Dystonic disorder. Also called: Dystonia. Identifiers: MedGen C0013421, MONDO:0003441, HP:0001332.

Submission:

Labcorp Genetics (formerly Invitae), Labcorp
Classification: Uncertain significance for Dystonic disorder. Last evaluated: 2019-12-12. Review status: criteria provided, single submitter. Criteria: Invitae Variant Classification Sherloc (09022015). Collection method: clinical testing. Allele origin: germline.
Comment: This sequence change replaces proline with alanine at codon 40 of the TOR1A protein (p.Pro40Ala). The proline residue is moderately conserved and there is a small physicochemical difference between proline and alanine. This variant is not present in population databases (ExAC no frequency). In summary, the available evidence is currently insufficient to determine the role of this variant in disease. Therefore, it has been classified as a Variant of Uncertain Significance. Algorithms developed to predict the effect of missense changes on protein structure and function are either unavailable or do not agree on the potential impact of this missense change (SIFT: "Tolerated"; PolyPhen-2: "Probably Damaging"; Align-GVGD: "Class C0"). This variant has not been reported in the literature in individuals with TOR1A-related conditions.

NM_000113.3(TOR1A):c.118C>G (p.Pro40Ala)

Gene: TOR1A (torsin family 1 member A; minus strand). Cytogenetic location: 9q34.11.
Variant type: single nucleotide variant.
Coding change: c.118C>G on transcript NM_000113.3 (MANE Select); coding-DNA position 118, C replaced by G.
Protein change: p.Pro40Ala; replaces proline 40 with alanine.
Molecular consequence: missense variant.
Genome position (GRCh38, 1-based): chr9:129,823,968, G>C on the plus strand (C>G on the coding strand, the complement: TOR1A is on the minus strand). VCF-style: chr9-129823968-G-C. GRCh37 (hg19) VCF-style: chr9-132586247-G-C.
Other names: short protein forms P40A.
Identifiers: ClinVar variation 841814 (VCV000841814.9), dbSNP rs2031259671, ClinGen allele CA375178409.